The following is an entry in ClinVar:

NM_032242.4(PLXNA1):c.2472G>A (p.Pro824=)

Gene: PLXNA1 (plexin A1; plus strand). Cytogenetic location: 3q21.3.
Variant type: single nucleotide variant.
Coding change: c.2472G>A on transcript NM_032242.4 (MANE Select); coding-DNA position 2472, G replaced by A.
Protein change: p.Pro824=; no amino-acid change (proline 824 retained).
Molecular consequence: synonymous variant.
Genome position (GRCh38, 1-based): chr3:127,014,243, G>A. VCF-style: chr3-127014243-G-A. GRCh37 (hg19) VCF-style: chr3-126733086-G-A.
Identifiers: ClinVar variation 4990727 (VCV004990727.1).

ClinVar aggregate classification (germline): Likely benign (1 of 4 stars; one submission).

Conditions:
PLXNA1-related disorder. Also called: PLXNA1-related condition.

Submission:

PreventionGenetics, part of Exact Sciences
Classification: Likely benign for PLXNA1-related condition. Last evaluated: 2026-07-15. Review status: criteria provided, single submitter. Criteria: ACMG Guidelines, 2015. Collection method: clinical testing. Allele origin: germline.
Comment: This variant is classified as likely benign based on ACMG/AMP sequence variant interpretation guidelines (Richards et al. 2015 PMID: 25741868, with internal and published modifications).